The following is an entry in ClinVar:

ClinVar aggregate classification (germline): Uncertain significance (1 of 4 stars; one submission).

Allele frequency attached by ClinVar (database versions not stated): gnomAD 0.00003.

Submission:

Labcorp Genetics (formerly Invitae), Labcorp
Classification: Uncertain significance. Last evaluated: 2022-08-23. Review status: criteria provided, single submitter. Criteria: Invitae Variant Classification Sherloc (09022015). Collection method: clinical testing. Allele origin: germline.
Comment: In summary, the available evidence is currently insufficient to determine the role of this variant in disease. Therefore, it has been classified as a Variant of Uncertain Significance. Algorithms developed to predict the effect of missense changes on protein structure and function output the following: SIFT: "Tolerated"; PolyPhen-2: "Probably Damaging"; Align-GVGD: "Class C0". The valine amino acid residue is found in multiple mammalian species, which suggests that this missense change does not adversely affect protein function. ClinVar contains an entry for this variant (Variation ID: 1362098). This variant has not been reported in the literature in individuals affected with HES7-related conditions. This variant is present in population databases (no rsID available, gnomAD 0.01%). This sequence change replaces alanine, which is neutral and non-polar, with valine, which is neutral and non-polar, at codon 184 of the HES7 protein (p.Ala184Val).

NM_001165967.2(HES7):c.566C>T (p.Ala189Val)

Genes: HES7 (hes family bHLH transcription factor 7; minus strand), LOC130060203 (ATAC-STARR-seq lymphoblastoid silent region 8155; plus strand). Cytogenetic location: 17p13.1.
Variant type: single nucleotide variant.
Coding change: c.566C>T on transcript NM_001165967.2 (MANE Select); coding-DNA position 566, C replaced by T.
Protein change: p.Ala189Val; replaces alanine 189 with valine.
Molecular consequence: missense variant.
Genome position (GRCh38, 1-based): chr17:8,121,698, G>A on the plus strand (C>T on the coding strand, the complement: HES7 is on the minus strand). VCF-style: chr17-8121698-G-A. GRCh37 (hg19) VCF-style: chr17-8025016-G-A.
Other names: c.551C>T, p.Ala184Val (NM_032580.4); short protein forms A184V, A189V.
Identifiers: ClinVar variation 1362098 (VCV001362098.6), dbSNP rs1261078598, ClinGen allele CA397987444.